The following is an entry in ClinVar:

ClinVar aggregate classification (germline): Uncertain significance (1 of 4 stars; one submission).

Conditions:
Autosomal recessive severe congenital neutropenia due to G6PC3 deficiency. Also called: G6PC3 Deficiency; NEUTROPENIA, SEVERE CONGENITAL, 4, AUTOSOMAL RECESSIVE. Identifiers: Orphanet 331176, MedGen C2751630, MONDO:0012930, OMIM 612541.

Allele frequency attached by ClinVar (database versions not stated): gnomAD exomes below 0.00001.
gnomAD v4.1: 2 of 1,613,254 alleles (0.00012%); highest among the groups gnomAD compares: Non-Finnish European, 0.00017%; no homozygotes.

Submission:

Labcorp Genetics (formerly Invitae), Labcorp
Classification: Uncertain significance for Autosomal recessive severe congenital neutropenia due to G6PC3 deficiency. Last evaluated: 2019-05-11. Review status: criteria provided, single submitter. Criteria: Invitae Variant Classification Sherloc (09022015). Collection method: clinical testing. Allele origin: germline.
Comment: In summary, the available evidence is currently insufficient to determine the role of this variant in disease. Therefore, it has been classified as a Variant of Uncertain Significance. Algorithms developed to predict the effect of missense changes on protein structure and function are either unavailable or do not agree on the potential impact of this missense change (SIFT: "Deleterious"; PolyPhen-2: "Possibly Damaging"; Align-GVGD: "Class C0"). This variant has not been reported in the literature in individuals with G6PC3-related conditions. This variant is not present in population databases (ExAC no frequency). This sequence change replaces valine with glycine at codon 332 of the G6PC3 protein (p.Val332Gly). The valine residue is moderately conserved and there is a moderate physicochemical difference between valine and glycine.

NM_138387.4(G6PC3):c.995T>G (p.Val332Gly)

Gene: G6PC3 (glucose-6-phosphatase catalytic subunit 3; plus strand). Cytogenetic location: 17q21.31.
Variant type: single nucleotide variant.
Coding change: c.995T>G on transcript NM_138387.4 (MANE Select); coding-DNA position 995, T replaced by G.
Protein change: p.Val332Gly; replaces valine 332 with glycine.
Molecular consequence: missense variant. On other transcripts: 3 prime UTR variant (1).
Genome position (GRCh38, 1-based): chr17:44,075,997, T>G. VCF-style: chr17-44075997-T-G. GRCh37 (hg19) VCF-style: chr17-42153365-T-G.
Other names: c.*288T>G (NM_001319945.2); c.650T>G, p.Val217Gly (NM_001384165.1, NM_001384166.1, NM_001384167.1 and 1 more transcripts); short protein forms V332G, V217G.
Identifiers: ClinVar variation 944847 (VCV000944847.9), dbSNP rs1013640910, ClinGen allele CA399729882.